The following is an entry in ClinVar:

NM_001130438.3(SPTAN1):c.1316G>A (p.Arg439Lys)

Gene: SPTAN1 (spectrin alpha, non-erythrocytic 1; plus strand). Cytogenetic location: 9q34.11.
Variant type: single nucleotide variant.
Coding change: c.1316G>A on transcript NM_001130438.3 (MANE Select); coding-DNA position 1316, G replaced by A.
Protein change: p.Arg439Lys; replaces arginine 439 with lysine.
Molecular consequence: missense variant.
Genome position (GRCh38, 1-based): chr9:128,579,731, G>A. VCF-style: chr9-128579731-G-A. GRCh37 (hg19) VCF-style: chr9-131342010-G-A.
Other names: c.1316G>A, p.Arg439Lys (NM_001195532.2, NM_001363759.2, NM_001363765.2 and 5 more transcripts); c.1352G>A, p.Arg451Lys (NM_001375312.2, NM_001375318.1); short protein forms R439K, R451K.
Identifiers: ClinVar variation 3239585 (VCV003239585.19), dbSNP rs1310943033.
Genomic context (GRCh38, chr9:128,579,731, plus strand): 5'-CTGCAGATGAATCTGGACAGGCACTGCTTGCTGCTGGTCACTATGCCTCAGATGAAGTGA[G>A]GGAGAAGGTAAGAGAAGAGAAATGGAGCTTTTGAGGAGCAAATTACACCTTTCACTAAGT-3'
Protein context (NP_001123910.1, residues 429-449): AAGHYASDEV[Arg439Lys]EKLTVLSEER

ClinVar aggregate classification (germline): Uncertain significance (1 of 4 stars; one submission).

Submission:

CeGaT Center for Human Genetics Tuebingen
Classification: Uncertain significance. Last evaluated: 2024-05-01. Review status: criteria provided, single submitter. Criteria: CeGaT Center For Human Genetics Tuebingen Variant Classification Criteria Version 2. Collection method: clinical testing. Allele origin: germline. Affected: yes. Observed: 1 variant allele.
Comment: SPTAN1: PM2, BP4